The following is an entry in ClinVar:

NM_000498.3(CYP11B2):c.1242del (p.Ala415fs)

Genes: CYP11B2 (cytochrome P450 family 11 subfamily B member 2; minus strand), LOC106799834 (CYP11B2 recombination region; plus strand). Cytogenetic location: 8q24.3.
Variant type: Deletion.
Coding change: c.1242del on transcript NM_000498.3 (MANE Select); coding-DNA position 1242, one base deleted (C; older notation c.1242delC).
Protein change: p.Ala415fs; shifts the reading frame from alanine 415.
Molecular consequence: frameshift variant.
Genome position (GRCh38, 1-based): chr8:142,912,686, G deleted on the plus strand (C on the coding strand, the reverse complement: CYP11B2 is on the minus strand); the first of 2 consecutive G bases (chr8:142,912,686-142,912,687); deleting either gives the same sequence. VCF-style (leftmost placement, unchanged base first): chr8-142912685-CG-C. GRCh37 (hg19) VCF-style: chr8-143994101-CG-C.
Other names: short protein forms A415fs.
Identifiers: ClinVar variation 2811226 (VCV002811226.3), dbSNP rs2488698313, ClinGen allele CA2739269022.

ClinVar aggregate classification (germline): Pathogenic (1 of 4 stars; one submission).

Submission:

Labcorp Genetics (formerly Invitae), Labcorp
Classification: Pathogenic. Last evaluated: 2022-11-01. Review status: criteria provided, single submitter. Criteria: Invitae Variant Classification Sherloc (09022015). Collection method: clinical testing. Allele origin: germline.
Comment: This sequence change creates a premature translational stop signal (p.Ala415Profs*15) in the CYP11B2 gene. It is expected to result in an absent or disrupted protein product. Loss-of-function variants in CYP11B2 are known to be pathogenic (PMID: 20494601, 22801770, 26936515). This variant is not present in population databases (gnomAD no frequency). This variant has not been reported in the literature in individuals affected with CYP11B2-related conditions. For these reasons, this variant has been classified as Pathogenic.

Literature cited by the submitters: PubMed 20494601; PubMed 22801770; PubMed 26936515.